The following is an entry in ClinVar:

ClinVar aggregate classification (germline): Uncertain significance (1 of 4 stars; one submission).

Submission:

Labcorp Genetics (formerly Invitae), Labcorp
Classification: Uncertain significance. Last evaluated: 2020-10-15. Review status: criteria provided, single submitter. Criteria: Invitae Variant Classification Sherloc (09022015). Collection method: clinical testing. Allele origin: germline.
Comment: In summary, the available evidence is currently insufficient to determine the role of this variant in disease. Therefore, it has been classified as a Variant of Uncertain Significance. Nucleotide substitutions within the consensus splice site are a relatively common cause of aberrant splicing (PMID: 17576681, 9536098). Algorithms developed to predict the effect of sequence changes on RNA splicing suggest that this variant may disrupt the consensus splice site, but this prediction has not been confirmed by published transcriptional studies. This variant has not been reported in the literature in individuals with COL4A5-related conditions. This variant is not present in population databases (ExAC no frequency). This sequence change falls in intron 9 of the COL4A5 gene. It does not directly change the encoded amino acid sequence of the COL4A5 protein. It affects a nucleotide within the consensus splice site of the intron.

Literature cited by the submitters: PubMed 17576681; PubMed 9536098.

NM_033380.3(COL4A5):c.546+4del

Gene: COL4A5 (collagen type IV alpha 5 chain; plus strand). Cytogenetic location: Xq22.3.
Variant type: Deletion.
Coding change: c.546+4del on transcript NM_033380.3 (MANE Select); 4 bases into the intron after coding-DNA position 546, one base deleted (A; older notation c.546+4delA).
Molecular consequence: intron variant.
Genome position (GRCh38, 1-based): chrX:108,573,658, A deleted; the last of 2 consecutive A bases (chrX:108,573,657-108,573,658); deleting either gives the same sequence. VCF-style (leftmost placement, unchanged base first): chrX-108573656-TA-T. GRCh37 (hg19) VCF-style: chrX-107816886-TA-T.
Other names: c.546+4del (NM_000495.5).
Identifiers: ClinVar variation 1043127 (VCV001043127.6), dbSNP rs2066101600, ClinGen allele CA2450680783.